The following is an entry in ClinVar:

NM_014283.5(SUCO):c.205G>A (p.Glu69Lys)

Gene: SUCO (SUN domain containing ossification factor; plus strand). Cytogenetic location: 1q24.3.
Variant type: single nucleotide variant.
Coding change: c.205G>A on transcript NM_014283.5 (MANE Select); coding-DNA position 205, G replaced by A.
Protein change: p.Glu69Lys; replaces glutamic acid 69 with lysine.
Molecular consequence: missense variant. On other transcripts: 5 prime UTR variant (1), intron variant (2).
Genome position (GRCh38, 1-based): chr1:172,553,287, G>A. VCF-style: chr1-172553287-G-A. GRCh37 (hg19) VCF-style: chr1-172522427-G-A.
Other names: c.-1325G>A (NM_001282751.2); c.762+1661G>A (NM_016227.4); c.177+1661G>A (NM_001282750.2); c.205G>A (NM_014283.3); short protein forms E69K.
Identifiers: ClinVar variation 2758058 (VCV002758058.4), dbSNP rs776650677, ClinGen allele CA1246493.

ClinVar aggregate classification (germline): Uncertain significance. Review status: criteria provided, multiple submitters, no conflicts (2 of 4 stars). 2 submissions from 2 submitters: Uncertain significance (2). Last evaluated 2023-12-13.

Allele frequency attached by ClinVar (database versions not stated): ExAC 0.00001; gnomAD exomes 0.00001; gnomAD 0.00002; TOPMed 0.00002.
gnomAD v4.1: 21 of 1,594,980 alleles (0.0013%); highest among the groups gnomAD compares: South Asian, 0.0034%; no homozygotes.

Submissions (2):

Labcorp Genetics (formerly Invitae), Labcorp
Classification: Uncertain significance. Last evaluated: 2023-12-13. Review status: criteria provided, single submitter. Criteria: Invitae Variant Classification Sherloc (09022015). Collection method: clinical testing. Allele origin: germline.
Comment: This sequence change replaces glutamic acid, which is acidic and polar, with lysine, which is basic and polar, at codon 69 of the SUCO protein (p.Glu69Lys). This variant is present in population databases (rs776650677, gnomAD 0.01%). This variant has not been reported in the literature in individuals affected with SUCO-related conditions. Algorithms developed to predict the effect of missense changes on protein structure and function output the following: SIFT: "Not Available"; PolyPhen-2: "Benign"; Align-GVGD: "Not Available". The lysine amino acid residue is found in multiple mammalian species, which suggests that this missense change does not adversely affect protein function. In summary, the available evidence is currently insufficient to determine the role of this variant in disease. Therefore, it has been classified as a Variant of Uncertain Significance.

Ambry Genetics
Classification: Uncertain significance. Last evaluated: 2023-11-07. Review status: criteria provided, single submitter. Criteria: Ambry Variant Classification Scheme 2023. Collection method: clinical testing. Allele origin: germline.